The following is an entry in ClinVar:

ClinVar aggregate classification (germline): Uncertain significance (1 of 4 stars; one submission).

gnomAD v4.1: 22 of 1,614,014 alleles (0.0014%); highest among the groups gnomAD compares: African/African-American, 0.004%; no homozygotes.

Submission:

Labcorp Genetics (formerly Invitae), Labcorp
Classification: Uncertain significance. Last evaluated: 2022-09-28. Review status: criteria provided, single submitter. Criteria: Invitae Variant Classification Sherloc (09022015). Collection method: clinical testing. Allele origin: germline.
Comment: This sequence change replaces valine, which is neutral and non-polar, with isoleucine, which is neutral and non-polar, at codon 4515 of the FAT4 protein (p.Val4515Ile). This variant is present in population databases (no rsID available, gnomAD 0.007%). This variant has not been reported in the literature in individuals affected with FAT4-related conditions. ClinVar contains an entry for this variant (Variation ID: 1494709). Advanced modeling of protein sequence and biophysical properties (such as structural, functional, and spatial information, amino acid conservation, physicochemical variation, residue mobility, and thermodynamic stability) performed at Invitae indicates that this missense variant is not expected to disrupt FAT4 protein function. In summary, the available evidence is currently insufficient to determine the role of this variant in disease. Therefore, it has been classified as a Variant of Uncertain Significance.

NM_001291303.3(FAT4):c.13549G>A (p.Val4517Ile)

Gene: FAT4 (FAT atypical cadherin 4; plus strand). Cytogenetic location: 4q28.1.
Variant type: single nucleotide variant.
Coding change: c.13549G>A on transcript NM_001291303.3 (MANE Select); coding-DNA position 13549, G replaced by A.
Protein change: p.Val4517Ile; replaces valine 4517 with isoleucine.
Molecular consequence: missense variant.
Genome position (GRCh38, 1-based): chr4:125,490,365, G>A. VCF-style: chr4-125490365-G-A. GRCh37 (hg19) VCF-style: chr4-126411520-G-A.
Other names: c.13546G>A, p.Val4516Ile (NM_001291285.3); c.13543G>A, p.Val4515Ile (NM_024582.6); short protein forms V4516I, V4517I, V4515I.
Identifiers: ClinVar variation 1494709 (VCV001494709.5), dbSNP rs142649500, ClinGen allele CA104876081.